The following is an entry in ClinVar:

ClinVar aggregate classification (germline): Uncertain significance (1 of 4 stars; one submission).

Allele frequency attached by ClinVar (database versions not stated): gnomAD exomes below 0.00001; TOPMed 0.00001.
gnomAD v4.1: 4 of 1,613,900 alleles (0.00025%); highest among the groups gnomAD compares: Admixed American, 0.005%; no homozygotes.

Submission:

Labcorp Genetics (formerly Invitae), Labcorp
Classification: Uncertain significance. Last evaluated: 2022-02-20. Review status: criteria provided, single submitter. Criteria: Invitae Variant Classification Sherloc (09022015). Collection method: clinical testing. Allele origin: germline.
Comment: This sequence change replaces aspartic acid, which is acidic and polar, with asparagine, which is neutral and polar, at codon 2127 of the PCNT protein (p.Asp2127Asn). This variant is present in population databases (no rsID available, gnomAD 0.006%). This variant has not been reported in the literature in individuals affected with PCNT-related conditions. Algorithms developed to predict the effect of missense changes on protein structure and function (SIFT, PolyPhen-2, Align-GVGD) all suggest that this variant is likely to be tolerated. In summary, the available evidence is currently insufficient to determine the role of this variant in disease. Therefore, it has been classified as a Variant of Uncertain Significance.

NM_006031.6(PCNT):c.6379G>A (p.Asp2127Asn)

Gene: PCNT (pericentrin; plus strand). Cytogenetic location: 21q22.3.
Variant type: single nucleotide variant.
Coding change: c.6379G>A on transcript NM_006031.6 (MANE Select); coding-DNA position 6379, G replaced by A.
Protein change: p.Asp2127Asn; replaces aspartic acid 2127 with asparagine.
Molecular consequence: missense variant.
Genome position (GRCh38, 1-based): chr21:46,416,297, G>A. VCF-style: chr21-46416297-G-A. GRCh37 (hg19) VCF-style: chr21-47836211-G-A.
Other names: c.6025G>A, p.Asp2009Asn (NM_001315529.2); short protein forms D2009N, D2127N.
Identifiers: ClinVar variation 2175333 (VCV002175333.1), dbSNP rs1160440180, ClinGen allele CA410562968.